The following is an entry in ClinVar:

ClinVar aggregate classification (germline): Likely benign (1 of 4 stars; one submission).

Submission:

CeGaT Center for Human Genetics Tuebingen
Classification: Likely benign. Last evaluated: 2026-08-01. Review status: criteria provided, single submitter. Criteria: CeGaT Center For Human Genetics Tuebingen Variant Classification Criteria Version 2. Collection method: clinical testing. Allele origin: germline. Affected: yes. Observed: 3 variant alleles.
Comment: BTBD17: PM2:Supporting, BP4, BP7

NM_001080466.2(BTBD17):c.735T>G (p.Pro245=)

Gene: BTBD17 (BTB domain containing 17; minus strand). Cytogenetic location: 17q25.1.
Variant type: single nucleotide variant.
Coding change: c.735T>G on transcript NM_001080466.2 (MANE Select); coding-DNA position 735, T replaced by G.
Protein change: p.Pro245=; no amino-acid change (proline 245 retained).
Molecular consequence: synonymous variant.
Genome position (GRCh38, 1-based): chr17:74,357,359, A>C on the plus strand (T>G on the coding strand, the complement: BTBD17 is on the minus strand). VCF-style: chr17-74357359-A-C. GRCh37 (hg19) VCF-style: chr17-72353498-A-C.
Identifiers: ClinVar variation 4873346 (VCV004873346.2).
Genomic context (GRCh38, chr17:74,357,359, plus strand): 5'-CAGCTGTGCCGGTGGGATCATGGGGTAGCGTATGGCGCGCAGCGCCCGCTCGGCCACGGC[A>C]GGGGGCGGCCGCGCGCGACCCAGCCAGGCCTCCAGCGCGTGGAACAGCTCCAGTTCATCC-3'
Protein context (NP_001073935.1, residues 235-255): EAWLGRARPP[Pro245=]AVAERALRAI